The following is an entry in ClinVar:

NM_004453.4(ETFDH):c.63T>C (p.Ile21=)

Gene: ETFDH (electron transfer flavoprotein dehydrogenase; plus strand). Cytogenetic location: 4q32.1.
Variant type: single nucleotide variant.
Coding change: c.63T>C on transcript NM_004453.4 (MANE Select); coding-DNA position 63, T replaced by C.
Protein change: p.Ile21=; no amino-acid change (isoleucine 21 retained).
Molecular consequence: synonymous variant. On other transcripts: intron variant (1).
Genome position (GRCh38, 1-based): chr4:158,680,495, T>C. VCF-style: chr4-158680495-T-C. GRCh37 (hg19) VCF-style: chr4-159601647-T-C.
Other names: c.35-1700T>C (NM_001281737.2).
Identifiers: ClinVar variation 347956 (VCV000347956.35), dbSNP rs566605780, ClinGen allele CA3122276.
Genomic context (GRCh38, chr4:158,680,495, plus strand): 5'-GGAAGATAATAATTTTCGTAATTTTTGTGCAGCATATCAGTGCTTTCATGCCTTAAAAAT[T>C]AAGAAAAATTATCTACCTCTATGTGCTACAAGATGGTCTTCAACTTCTACTGTGCCTCGA-3'
Protein context (NP_004444.2, residues 11-31): LAYQCFHALK[Ile21=]KKNYLPLCAT

ClinVar aggregate classification (germline): Conflicting classifications of pathogenicity. Review status: criteria provided, conflicting classifications (1 of 4 stars). 4 submissions from 4 submitters: Uncertain significance (1); Benign (1); Likely benign (1). 1 of the submissions does not count toward it. Last evaluated 2026-01-28.

Conditions:
Multiple acyl-CoA dehydrogenase deficiency (MADD). Also called: Glutaric aciduria, type 2; ETHYLMALONIC-ADIPICACIDURIA; GA II; Glutaric Acidemia type 2; Glutaric acidemia type II; GA 2. Identifiers: Orphanet 26791, MedGen C0268596, MONDO:0009282, OMIM 231680.

Allele frequency attached by ClinVar (database versions not stated): gnomAD 0.00009 and below 0.00001; gnomAD exomes 0.00027; 1000 Genomes Project 30x 0.00031; ExAC 0.00033; 1000 Genomes Project 0.00040.
gnomAD v4.1: 216 of 1,605,916 alleles (0.013%); highest among the groups gnomAD compares: South Asian, 0.23%; 4 homozygotes.

Submissions (4):

Labcorp Genetics (formerly Invitae), Labcorp
Classification: Benign for Multiple acyl-CoA dehydrogenase deficiency. Last evaluated: 2026-01-28. Review status: criteria provided, single submitter. Criteria: Invitae Variant Classification Sherloc (09022015). Collection method: clinical testing. Allele origin: germline.

CeGaT Center for Human Genetics Tuebingen
Classification: Likely benign. Last evaluated: 2024-06-01. Review status: criteria provided, single submitter. Criteria: CeGaT Center For Human Genetics Tuebingen Variant Classification Criteria Version 2. Collection method: clinical testing. Allele origin: germline. Affected: yes. Observed: 1 variant allele.
Comment: ETFDH: BP4, BP7

Illumina Laboratory Services, Illumina
Classification: Uncertain significance for Multiple acyl-CoA dehydrogenase deficiency. Last evaluated: 2018-01-13. Review status: criteria provided, single submitter. Criteria: ICSL Variant Classification Criteria 13 December 2019. Collection method: clinical testing. Allele origin: germline.

Natera, Inc.
Classification: Likely benign for Glutaric aciduria type 2. Last evaluated: 2020-04-21. Review status: no assertion criteria provided. Collection method: clinical testing. Allele origin: germline. Not counted in ClinVar's aggregate classification.